The following is an entry in ClinVar:

NM_201384.3(PLEC):c.177C>T (p.Ala59=)

Gene: PLEC (plectin; minus strand). Cytogenetic location: 8q24.3.
Variant type: single nucleotide variant.
Coding change: c.177C>T on transcript NM_201384.3 (MANE Select); coding-DNA position 177, C replaced by T.
Protein change: p.Ala59=; no amino-acid change (alanine 59 retained).
Molecular consequence: synonymous variant.
Genome position (GRCh38, 1-based): chr8:143,938,238, G>A on the plus strand (C>T on the coding strand, the complement: PLEC is on the minus strand). VCF-style: chr8-143938238-G-A. GRCh37 (hg19) VCF-style: chr8-145012406-G-A.
Other names: c.258C>T, p.Ala86= (NM_000445.5); c.135C>T, p.Ala45= (NM_201378.4); c.111C>T, p.Ala37= (NM_201379.3); c.588C>T, p.Ala196= (NM_201380.4); c.81C>T, p.Ala27= (NM_201381.3); c.177C>T, p.Ala59= (NM_201382.4); c.189C>T, p.Ala63= (NM_201383.3).
Identifiers: ClinVar variation 387323 (VCV000387323.9), dbSNP rs374581957, ClinGen allele CA4928575.

ClinVar aggregate classification (germline): Likely benign. Review status: criteria provided, multiple submitters, no conflicts (2 of 4 stars). 2 submissions from 2 submitters: Likely benign (2). Last evaluated 2022-09-23.

Conditions:
Epidermolysis bullosa simplex with nail dystrophy (EBS5D). Identifiers: MedGen C4225309, MONDO:0014661, OMIM 616487.
Epidermolysis bullosa simplex 5B, with muscular dystrophy (EBS5B). Also called: EPIDERMOLYSIS BULLOSA SIMPLEX AND LIMB-GIRDLE MUSCULAR DYSTROPHY; Epidermolysis bullosa simplex with muscular dystrophy. Identifiers: Orphanet 257, MedGen C2931072, MONDO:0009181, OMIM 226670.
Epidermolysis bullosa simplex, Ogna type (EBS5A). Also called: Pidermolysis bullosa simplex 5A, Ogna type; EPIDERMOLYSIS BULLOSA SIMPLEX 5A, OGNA TYPE. Identifiers: Orphanet 79401, MedGen C0432317, MONDO:0007555, OMIM 131950.
Autosomal recessive limb-girdle muscular dystrophy type 2Q (LGMDR17). Also called: MUSCULAR DYSTROPHY, LIMB-GIRDLE, AUTOSOMAL RECESSIVE 17. Identifiers: Orphanet 254361, MedGen C3150989, MONDO:0013390, OMIM 613723.
Epidermolysis bullosa simplex 5C, with pyloric atresia (EBS5C). Also called: PLEC-Related Epidermolysis Bullosa with Pyloric Atresia; Epidermolysis bullosa simplex with pyloric atresia; PLEC1-Related Epidermolysis Bullosa with Pyloric Atresia. Identifiers: Orphanet 158684, MedGen C2677349, MONDO:0012807, OMIM 612138.

Allele frequency attached by ClinVar (database versions not stated): gnomAD exomes 0.00002; gnomAD 0.00005 and 0.00006; ExAC 0.00006; TOPMed 0.00006; ESP Exome Variant Server 0.00008.
gnomAD v4.1: 16 of 1,598,442 alleles (0.001%); highest among the groups gnomAD compares: African/African-American, 0.015%; no homozygotes.

Submissions (2):

Labcorp Genetics (formerly Invitae), Labcorp
Classification: Likely benign for Autosomal recessive limb-girdle muscular dystrophy type 2Q; Epidermolysis bullosa simplex, Ogna type; Epidermolysis bullosa simplex with nail dystrophy; Epidermolysis bullosa simplex 5C, with pyloric atresia; Epidermolysis bullosa simplex 5B, with muscular dystrophy. Last evaluated: 2022-09-23. Review status: criteria provided, single submitter. Criteria: Invitae Variant Classification Sherloc (09022015). Collection method: clinical testing. Allele origin: germline.

GeneDx
Classification: Likely benign. Last evaluated: 2016-08-05. Review status: criteria provided, single submitter. Criteria: GeneDx Variant Classification (06012015). Collection method: clinical testing. Allele origin: germline. Affected: yes.
Comment: This variant is considered likely benign or benign based on one or more of the following criteria: it is a conservative change, it occurs at a poorly conserved position in the protein, it is predicted to be benign by multiple in silico algorithms, and/or has population frequency not consistent with disease.